The following is an entry in ClinVar:

ClinVar aggregate classification (germline): Uncertain significance (1 of 4 stars; one submission).

gnomAD v4.1: 1 of 1,387,288 alleles (0.000072%); highest among the groups gnomAD compares: South Asian, 0.0013%; no homozygotes.

Submission:

Labcorp Genetics (formerly Invitae), Labcorp
Classification: Uncertain significance. Last evaluated: 2024-08-14. Review status: criteria provided, single submitter. Criteria: Invitae Variant Classification Sherloc (09022015). Collection method: clinical testing. Allele origin: germline.
Comment: This sequence change replaces asparagine, which is neutral and polar, with lysine, which is basic and polar, at codon 495 of the DDX58 protein (p.Asn495Lys). This variant is not present in population databases (gnomAD no frequency). This variant has not been reported in the literature in individuals affected with DDX58-related conditions. An algorithm developed to predict the effect of missense changes on protein structure and function outputs the following: PolyPhen-2: "Benign". The lysine amino acid residue is found in multiple mammalian species, which suggests that this missense change does not adversely affect protein function. In summary, the available evidence is currently insufficient to determine the role of this variant in disease. Therefore, it has been classified as a Variant of Uncertain Significance.

NM_014314.4(RIGI):c.1485C>G (p.Asn495Lys)

Gene: RIGI (RNA sensor RIG-I; minus strand). Cytogenetic location: 9p21.1.
Variant type: single nucleotide variant.
Coding change: c.1485C>G on transcript NM_014314.4 (MANE Select); coding-DNA position 1485, C replaced by G.
Protein change: p.Asn495Lys; replaces asparagine 495 with lysine.
Molecular consequence: missense variant.
Genome position (GRCh38, 1-based): chr9:32,481,493, G>C on the plus strand (C>G on the coding strand, the complement: RIGI is on the minus strand). VCF-style: chr9-32481493-G-C. GRCh37 (hg19) VCF-style: chr9-32481491-G-C.
Other names: c.1479C>G, p.Asn493Lys (NM_001385907.1); c.1485C>G, p.Asn495Lys (NM_001385909.1); c.1044C>G, p.Asn348Lys (NM_001385910.1); c.876C>G, p.Asn292Lys (NM_001385912.1); c.1470C>G, p.Asn490Lys (NM_001385913.1); c.1041C>G, p.Asn347Lys (NM_001385914.1); short protein forms N347K, N493K, N292K, N348K, N490K, N495K.
Identifiers: ClinVar variation 3662368 (VCV003662368.2).